The following is an entry in ClinVar:

NM_000069.3(CACNA1S):c.539C>T (p.Pro180Leu)

Gene: CACNA1S (calcium voltage-gated channel subunit alpha1 S; minus strand). Cytogenetic location: 1q32.1.
Variant type: single nucleotide variant.
Coding change: c.539C>T on transcript NM_000069.3 (MANE Select); coding-DNA position 539, C replaced by T.
Protein change: p.Pro180Leu; replaces proline 180 with leucine.
Molecular consequence: missense variant.
Genome position (GRCh38, 1-based): chr1:201,091,974, G>A on the plus strand (C>T on the coding strand, the complement: CACNA1S is on the minus strand). VCF-style: chr1-201091974-G-A. GRCh37 (hg19) VCF-style: chr1-201061102-G-A.
Other names: short protein forms P180L.
Identifiers: ClinVar variation 4686098 (VCV004686098.1).
Genomic context (GRCh38, chr1:201,091,974, plus strand): 5'-GGGACAAGGGAACAGGAAGGGAGAGGAGAAAGGGGTCTGCAGGGACACTGCCACCCACTA[G>A]GCACCCCCGACACCAGCCGGAGGGGTCTGAGCACTCGGAAGGCTCTGAGGGCCTTGACAT-3'
Protein context (NP_000060.2, residues 170-190): LRPLRLVSGV[Pro180Leu]SLQVVLNSIF

ClinVar aggregate classification (germline): Uncertain significance (1 of 4 stars; one submission).

gnomAD v4.1: 3 of 1,614,134 alleles (0.00019%); highest among the groups gnomAD compares: Non-Finnish European, 0.00025%; no homozygotes.

Submission:

GeneDx
Classification: Uncertain significance. Last evaluated: 2025-07-19. Review status: criteria provided, single submitter. Criteria: GeneDx Variant Classification Process June 2021. Collection method: clinical testing. Allele origin: germline. Affected: yes.
Comment: Not observed at significant frequency in large population cohorts (gnomAD); In silico analysis supports that this missense variant has a deleterious effect on protein structure/function; Has not been previously published as pathogenic or benign to our knowledge